The following is an entry in ClinVar:

NM_001355436.2(SPTB):c.345T>C (p.Asn115=)

Gene: SPTB (spectrin beta, erythrocytic; minus strand). Cytogenetic location: 14q23.3.
Variant type: single nucleotide variant.
Coding change: c.345T>C on transcript NM_001355436.2 (MANE Select); coding-DNA position 345, T replaced by C.
Protein change: p.Asn115=; no amino-acid change (asparagine 115 retained).
Molecular consequence: synonymous variant.
Genome position (GRCh38, 1-based): chr14:64,803,736, A>G on the plus strand (T>C on the coding strand, the complement: SPTB is on the minus strand). VCF-style: chr14-64803736-A-G. GRCh37 (hg19) VCF-style: chr14-65270454-A-G.
Other names: p.Asn115=; c.345T>C, p.Asn115= (NM_001024858.4, NM_001355437.2).
Identifiers: ClinVar variation 313780 (VCV000313780.45), dbSNP rs17180518, ClinGen allele CA7231465.
Genomic context (GRCh38, chr14:64,803,736, plus strand): 5'-GGAGCCCATGTTCTCCAGGTGTACACGCTGCTCCTTGAGGAACTGGAGAGCCTTGTCCAC[A>G]TTCTCCAGGCAGTGGATGCGCATCTTCCCCTTGGTGGGCTTTGGCTGGGGGACAGCAGTG-3'
Protein context (NP_001342365.1, residues 105-125): KGKMRIHCLE[Asn115=]VDKALQFLKE

ClinVar aggregate classification (germline): Benign/Likely benign. Review status: criteria provided, multiple submitters, no conflicts (2 of 4 stars). 5 submissions from 5 submitters: Benign (2); Likely benign (3). Last evaluated 2026-01-18.

Allele frequency attached by ClinVar (database versions not stated): TOPMed 0.00329; gnomAD 0.00330 and 0.00304; ESP Exome Variant Server 0.00361; gnomAD exomes 0.00151; ExAC 0.00164; 1000 Genomes Project 0.00280; 1000 Genomes Project 30x 0.00297.
gnomAD v4.1: 2,623 of 1,614,038 alleles (0.16%); highest among the groups gnomAD compares: African/African-American, 0.77%; 5 homozygotes.

Submissions (5):

Labcorp Genetics (formerly Invitae), Labcorp
Classification: Benign. Last evaluated: 2026-01-18. Review status: criteria provided, single submitter. Criteria: Invitae Variant Classification Sherloc (09022015). Collection method: clinical testing. Allele origin: germline.

CeGaT Center for Human Genetics Tuebingen
Classification: Likely benign. Last evaluated: 2025-08-01. Review status: criteria provided, single submitter. Criteria: CeGaT Center For Human Genetics Tuebingen Variant Classification Criteria Version 2. Collection method: clinical testing. Allele origin: germline. Affected: yes. Observed: 3 variant alleles.
Comment: SPTB: BP4, BP7

Mayo Clinic Laboratories, Mayo Clinic
Classification: Likely benign. Last evaluated: 2025-04-08. Review status: criteria provided, single submitter. Criteria: ACMG Guidelines, 2015. Collection method: clinical testing. Allele origin: germline. Observed: 12 variant alleles.

Blueprint Genetics
Classification: Likely benign. Last evaluated: 2024-11-27. Review status: criteria provided, single submitter. Criteria: ACMG Guidelines, 2015. Collection method: clinical testing. Allele origin: germline.

ARUP Laboratories, Molecular Genetics and Genomics, ARUP Laboratories
Classification: Benign. Last evaluated: 2024-11-14. Review status: criteria provided, single submitter. Criteria: ARUP Molecular Germline Variant Investigation Process 2024. Collection method: clinical testing. Allele origin: germline.